The following is an entry in ClinVar:

ClinVar aggregate classification (germline): Uncertain significance (1 of 4 stars; one submission).

Conditions:
Inborn genetic diseases. Identifiers: MedGen C0950123, MeSH D030342.

gnomAD v4.1: 2 of 1,613,870 alleles (0.00012%); highest among the groups gnomAD compares: African/African-American, 0.0027%; no homozygotes.

Submission:

Ambry Genetics
Classification: Uncertain significance for Inborn genetic diseases. Last evaluated: 2025-02-11. Review status: criteria provided, single submitter. Criteria: Ambry Variant Classification Scheme 2023. Collection method: clinical testing. Allele origin: germline.
Comment: The p.D1019V variant (also known as c.3056A>T), located in coding exon 24 of the ANKRD26 gene, results from an A to T substitution at nucleotide position 3056. The aspartic acid at codon 1019 is replaced by valine, an amino acid with highly dissimilar properties. This amino acid position is conserved. In addition, this alteration is predicted to be tolerated by in silico analysis. Based on the available evidence, the clinical significance of this variant remains unclear.

NM_014915.3(ANKRD26):c.3056A>T (p.Asp1019Val)

Gene: ANKRD26 (ankyrin repeat domain containing 26; minus strand). Cytogenetic location: 10p12.1.
Variant type: single nucleotide variant.
Coding change: c.3056A>T on transcript NM_014915.3 (MANE Select); coding-DNA position 3056, A replaced by T.
Protein change: p.Asp1019Val; replaces aspartic acid 1019 with valine.
Molecular consequence: missense variant.
Genome position (GRCh38, 1-based): chr10:27,035,394, T>A on the plus strand (A>T on the coding strand, the complement: ANKRD26 is on the minus strand). VCF-style: chr10-27035394-T-A. GRCh37 (hg19) VCF-style: chr10-27324323-T-A.
Other names: c.3053A>T, p.Asp1018Val (NM_001256053.2); short protein forms D1019V, D1018V.
Identifiers: ClinVar variation 3868978 (VCV003868978.1).